The following is an entry in ClinVar:

NM_005271.5(GLUD1):c.-24C>G

Genes: GLUD1 (glutamate dehydrogenase 1; minus strand), SHLD2 (shieldin complex subunit 2; plus strand). Cytogenetic location: 10q23.2.
Variant type: single nucleotide variant.
Coding change: c.-24C>G on transcript NM_005271.5 (MANE Select); 24 bases upstream of the start codon, C replaced by G.
Molecular consequence: 5 prime UTR variant.
Genome position (GRCh38, 1-based): chr10:87,094,793, G>C on the plus strand (C>G on the coding strand, the complement: GLUD1 is on the minus strand). VCF-style: chr10-87094793-G-C. GRCh37 (hg19) VCF-style: chr10-88854550-G-C.
Other names: c.-752C>G (NM_001318904.2); c.-878C>G (NM_001318905.2); c.-585C>G (NM_001318906.2).
Identifiers: ClinVar variation 682380 (VCV000682380.1), dbSNP rs563124216, ClinGen allele CA5587783.

ClinVar aggregate classification (germline): Likely benign (1 of 4 stars; one submission).

Allele frequency attached by ClinVar (database versions not stated): gnomAD exomes 0.00008; ExAC 0.00017; gnomAD 0.00055 and 0.00056; TOPMed 0.00075; 1000 Genomes Project 0.00120; 1000 Genomes Project 30x 0.00141.
gnomAD v4.1: 160 of 1,516,082 alleles (0.011%); highest among the groups gnomAD compares: African/African-American, 0.2%; no homozygotes.

Submission:

GeneDx
Classification: Likely benign. Last evaluated: 2018-04-30. Review status: criteria provided, single submitter. Criteria: GeneDx Variant Classification (06012015). Collection method: clinical testing. Allele origin: germline. Affected: yes.
Comment: This variant is considered likely benign or benign based on one or more of the following criteria: it is a conservative change, it occurs at a poorly conserved position in the protein, it is predicted to be benign by multiple in silico algorithms, and/or has population frequency not consistent with disease.